The following is an entry in ClinVar:

NM_138295.5(PKD1L1):c.6473+2_6473+3del

Gene: PKD1L1 (polycystin 1 like 1, transient receptor potential channel interacting; minus strand). Cytogenetic location: 7p12.3.
Variant type: Deletion.
Coding change: c.6473+2_6473+3del on transcript NM_138295.5 (MANE Select); the canonical splice donor site of the intron after coding-DNA position 6473 through 3 bases into the intron after coding-DNA position 6473, 2 bases deleted (TG; older notation c.6473+2_6473+3delTG).
Molecular consequence: splice donor variant.
Genome position (GRCh38, 1-based): chr7:47,831,214-47,831,215, CA deleted on the plus strand (TG on the coding strand, the reverse complement: PKD1L1 is on the minus strand); deleting any 2 consecutive bases within chr7:47,831,214-47,831,216 gives the same sequence; the c. name uses the placement nearest the transcript's 3' end. VCF-style (leftmost placement, unchanged base first): chr7-47831213-TCA-T. GRCh37 (hg19) VCF-style: chr7-47870811-TCA-T.
Other names: c.6473+2_6473+3delTG (NM_138295.3, NM_138295.4).
Identifiers: ClinVar variation 235796 (VCV000235796.14), dbSNP rs528302390, ClinGen allele CA4252456.

ClinVar aggregate classification (germline): Pathogenic/Likely pathogenic. Review status: criteria provided, multiple submitters, no conflicts (2 of 4 stars). 9 submissions from 8 submitters: Pathogenic (6); Likely pathogenic (2). 1 of the submissions does not count toward it. Last evaluated 2026-06-30.

Conditions:
Heterotaxy, visceral, 8, autosomal (HTX8). Identifiers: MedGen C4310668, MONDO:0014967, OMIM 617205.
Inborn genetic diseases. Identifiers: MedGen C0950123, MeSH D030342.
Multiple congenital anomalies/dysmorphic syndrome-intellectual disability. Identifiers: Orphanet 102283, MedGen C5680372, MONDO:0015159.
PKD1L1-related disorder. Also called: PKD1L1-related condition.
Situs inversus. Also called: Situs inversus totalis. Identifiers: Orphanet 101063, MedGen C4551493, MONDO:0010029, HP:0001696.

Submissions (9):

PreventionGenetics, part of Exact Sciences
Classification: Pathogenic for PKD1L1-related condition. Last evaluated: 2026-06-30. Review status: criteria provided, single submitter. Criteria: ACMG Guidelines, 2015. Collection method: clinical testing. Allele origin: germline.
Comment: The PKD1L1 c.6473+2_6473+3delTG variant is predicted to result in a deletion affecting a canonical splice site. This variant has been reported to be pathogenic for autosomal recessive autosomal visceral heterotaxy (Vetrini et al. 2016. PubMed ID: 27616478; Berauer et al. 2019. PubMed ID: 30664273; Normand et al. 2018. PubMed ID: 30266093). This variant is reported in 0.066% of alleles in individuals of European (Non-Finnish) descent in gnomAD. This variant is interpreted as pathogenic.

Ambry Genetics
Classification: Likely pathogenic for Inborn genetic diseases. Last evaluated: 2025-03-04. Review status: criteria provided, single submitter. Criteria: Ambry Variant Classification Scheme 2023. Collection method: clinical testing. Allele origin: germline.
Comment: The c.6473+2_6473+3delTG intronic variant results from a deletion of two nucleotides at the +2 and +3 positions after coding exon 42 of the PKD1L1 gene. Alterations that disrupt the canonical splice site are expected to cause aberrant splicing, resulting in an abnormal protein or a transcript that is subject to nonsense-mediated mRNA decay. Based on data from gnomAD, the c.6473+2_6473+3delTG variant has an overall frequency of 0.034% (96/280200) total alleles studied. The highest observed frequency was 0.066% (85/128262) of European (non-Finnish) alleles. This variant has been identified in the homozygous state and/or in conjunction with other PKD1L1 variant(s) in individual(s) with features consistent with PKD1L1-related visceral heterotaxy (Vetrini, 2016; Berauer, 2019; Postema, 2020). The c.6473+2 nucleotide position is highly conserved in available vertebrate species. However, the c.6473+3 nucleotide position is not well conserved in available vertebrate species. In silico splice site analysis predicts that this alteration will weaken the native splice donor site. Based on the available evidence, this alteration is classified as likely pathogenic.

Blueprint Genetics
Classification: Pathogenic for PKD1L1-related disorders. Last evaluated: 2024-11-06. Review status: criteria provided, single submitter. Criteria: ACMG Guidelines, 2015. Collection method: clinical testing. Allele origin: germline. Affected: yes. Observed: 5 variant alleles.

Baylor Genetics
Classification: Pathogenic for Heterotaxy, visceral, 8, autosomal. Last evaluated: 2023-05-30. Review status: criteria provided, single submitter. Criteria: ACMG Guidelines, 2015. Collection method: clinical testing. Allele origin: unknown.

Department of Pathology and Laboratory Medicine, Sinai Health System
Classification: Likely pathogenic for Heterotaxy, visceral, 8, autosomal. Last evaluated: 2023-03-28. Review status: criteria provided, single submitter. Criteria: ACMG Guidelines, 2015. Collection method: research. Allele origin: germline.

Victorian Clinical Genetics Services, Murdoch Childrens Research Institute
Classification: Pathogenic for Heterotaxy, visceral, 8, autosomal. Last evaluated: 2022-02-02. Review status: criteria provided, single submitter. Criteria: ACMG Guidelines, 2015. Collection method: clinical testing. Allele origin: germline. Inheritance: Autosomal recessive inheritance.
Comment: Based on the classification scheme VCGS_Germline_v1.3.4, this variant is classified as Pathogenic. Following criteria are met: 0102 - Loss of function is a known mechanism of disease in this gene and is associated with heterotaxy, visceral, 8 (MIM#617205). (I) 0106 - This gene is associated with autosomal recessive disease. (I) 0211 - Canonical splice site variant without proven consequence on splicing (no functional evidence available). (SP) 0251 - This variant is heterozygous. (I) 0304 - Variant is present in gnomAD (v2) <0.01 for a recessive condition (96 heterozygotes, 0 homozygotes). (SP) 0505 - Abnormal splicing is predicted by in silico tools and affected nucleotide is highly conserved. (SP) 0705 - No comparable canonical splice variants have previous evidence for pathogenicity. (I) 0802 - This variant has moderate previous evidence of pathogenicity in unrelated individuals. This variant has been reported as pathogenic, and observed in homozygous and compound heterozygous individuals with features including heterotaxy, congenital heart defects, intestinal malroation and biliary atresia (ClinVar, PMID: 30664273, PMID: 27616478, PMID: 32111882). (SP) 0906 - Segregation evidence for this variant is inconclusive. This variant has been observed in two homozygous siblings, and was heterozygous in their unaffected sibling and parents, however more meioses are required to establish the significance of this segregation (PMID: 27616478). (I) 1007 - No published functional evidence has been identified for this variant. (I) Legend: (SP) - Supporting pathogenic, (I) - Information, (SB) - Supporting benign

AURAGEN, Plan France Médecine Génomique
Classification: Pathogenic for Multiple congenital anomalies/dysmorphic syndrome-intellectual disability. Last evaluated: 2021-04-06. Review status: criteria provided, single submitter. Criteria: PFMG2025 (Lancet Reg Health Eur. 2025). Collection method: clinical testing. Allele origin: germline. Affected: yes.

Baylor Genetics
Classification: Pathogenic for Situs inversus; Heterotaxy. Last evaluated: 2016-05-27. Review status: criteria provided, single submitter. Criteria: Vetrini et al. (Am J Hum Genet. 2016). Collection method: clinical testing. Allele origin: inherited. Inheritance: Autosomal recessive inheritance. Affected: yes. Observed: 2 homozygotes. Clinical features observed: Abdominal situs inversus (HP:0003363), Double outlet right ventricle (HP:0001719), Unbalanced atrioventricular canal defect (HP:0011579), Transposition of the great arteries (HP:0001669), Atrial situs ambiguous (HP:0011539), Pulmonary artery atresia (HP:0004935), Right aortic arch (HP:0012020). Segregation with disease observed.
Comment: Pathogenicity based on finding the variant in the homozygous state in 2 individuals from one family, both with heterotaxy and complex congenital heart defect.

OMIM
Classification: Pathogenic for HETEROTAXY, VISCERAL, 8, AUTOSOMAL. Last evaluated: 2016-12-14. Review status: no assertion criteria provided. Collection method: literature only. Allele origin: germline. Not counted in ClinVar's aggregate classification.

Literature cited by the submitters: PubMed 27616478 (cited by 3 submitters); PubMed 30664273 (cited by Ambry Genetics and Victorian Clinical Genetics Services, Murdoch Childrens Research Institute); PubMed 32111882 (cited by Ambry Genetics and Victorian Clinical Genetics Services, Murdoch Childrens Research Institute).